The following is an entry in ClinVar:

ClinVar aggregate classification (germline): Likely benign. Review status: criteria provided, multiple submitters, no conflicts (2 of 4 stars). 7 submissions from 3 submitters: Likely benign (7). Last evaluated 2025-08-18.

Conditions:
Hereditary cryohydrocytosis with reduced stomatin. Also called: Stomatin-deficient cryohydrocytosis with neurologic defects; GLUT1 DEFICIENCY SYNDROME WITH PSEUDOHYPERKALEMIA AND HEMOLYSIS. Identifiers: Orphanet 168577, MedGen C1837206, MONDO:0012143, OMIM 608885.
Childhood onset GLUT1 deficiency syndrome 2. Also called: PxMD-SLC2A1; GLUT1 deficiency syndrome 2; Exertion-induced paroxysmal dyskinesia; PAROXYSMAL EXERCISE-INDUCED DYSKINESIA WITH OR WITHOUT EPILEPSY AND/OR HEMOLYTIC ANEMIA; PAROXYSMAL EXERTION-INDUCED DYSTONIA WITH OR WITHOUT EPILEPSY AND/OR HEMOLYTIC ANEMIA; PED WITH OR WITHOUT EPILEPSY AND/OR HEMOLYTIC ANEMIA. Identifiers: Orphanet 98811, MedGen C1842534, MONDO:0012805, OMIM 612126.
GLUT1 deficiency syndrome 1, autosomal recessive. Identifiers: MedGen C3149117.
Dystonia 9 (DYT9). Also called: CHOREOATHETOSIS, KINESIGENIC, WITH EPISODIC ATAXIA AND SPASTICITY. Identifiers: Orphanet 53583, MedGen C1832855, MONDO:0010983, OMIM 601042.
Epilepsy, idiopathic generalized, susceptibility to, 12 (EIG12). Identifiers: MedGen C3553859, MONDO:0013919, OMIM 614847.
Encephalopathy due to GLUT1 deficiency. Also called: GLUT1 deficiency syndrome 1, infantile onset, severe; De Vivo disease; Classic Glucose Transporter Type 1 Deficiency Syndrome; GLUCOSE TRANSPORT DEFECT, BLOOD-BRAIN BARRIER; Glucose transporter protein syndrome; GLUT1 deficiency syndrome 1. Identifiers: Orphanet 71277, MedGen C4551966, MONDO:0011724, OMIM 606777.

Allele frequency attached by ClinVar (database versions not stated): TOPMed below 0.00001; ExAC 0.00001; gnomAD 0.00001; gnomAD exomes 0.00001.
gnomAD v4.1: 18 of 1,611,612 alleles (0.0011%); highest among the groups gnomAD compares: East Asian, 0.0022%; no homozygotes.

Submissions (7):

Labcorp Genetics (formerly Invitae), Labcorp
Classification: Likely benign for GLUT1 deficiency syndrome 1, autosomal recessive. Last evaluated: 2025-08-18. Review status: criteria provided, single submitter. Criteria: Invitae Variant Classification Sherloc (09022015). Collection method: clinical testing. Allele origin: germline.

Genome-Nilou Lab
Classification: Likely benign for Epilepsy, idiopathic generalized, susceptibility to, 12. Last evaluated: 2023-04-11. Review status: criteria provided, single submitter. Criteria: ACMG Guidelines, 2015. Collection method: clinical testing. Allele origin: germline. Affected: no.

Genome-Nilou Lab
Classification: Likely benign for Dystonia 9. Last evaluated: 2023-04-11. Review status: criteria provided, single submitter. Criteria: ACMG Guidelines, 2015. Collection method: clinical testing. Allele origin: germline. Affected: no.

Genome-Nilou Lab
Classification: Likely benign for Encephalopathy due to GLUT1 deficiency. Last evaluated: 2023-04-11. Review status: criteria provided, single submitter. Criteria: ACMG Guidelines, 2015. Collection method: clinical testing. Allele origin: germline. Affected: no.

Genome-Nilou Lab
Classification: Likely benign for Childhood onset GLUT1 deficiency syndrome 2. Last evaluated: 2023-04-11. Review status: criteria provided, single submitter. Criteria: ACMG Guidelines, 2015. Collection method: clinical testing. Allele origin: germline. Affected: no.

Genome-Nilou Lab
Classification: Likely benign for Hereditary cryohydrocytosis with reduced stomatin. Last evaluated: 2023-04-11. Review status: criteria provided, single submitter. Criteria: ACMG Guidelines, 2015. Collection method: clinical testing. Allele origin: germline. Affected: no.

GeneDx
Classification: Likely benign. Last evaluated: 2016-03-25. Review status: criteria provided, single submitter. Criteria: GeneDx Variant Classification (06012015). Collection method: clinical testing. Allele origin: germline. Affected: yes.
Comment: This variant is considered likely benign or benign based on one or more of the following criteria: it is a conservative change, it occurs at a poorly conserved position in the protein, it is predicted to be benign by multiple in silico algorithms, and/or has population frequency not consistent with disease.

NM_006516.4(SLC2A1):c.492C>T (p.Ile164=)

Gene: SLC2A1 (solute carrier family 2 member 1; minus strand). Cytogenetic location: 1p34.2.
Variant type: single nucleotide variant.
Coding change: c.492C>T on transcript NM_006516.4 (MANE Select); coding-DNA position 492, C replaced by T.
Protein change: p.Ile164=; no amino-acid change (isoleucine 164 retained).
Molecular consequence: synonymous variant.
Genome position (GRCh38, 1-based): chr1:42,930,650, G>A on the plus strand (C>T on the coding strand, the complement: SLC2A1 is on the minus strand). VCF-style: chr1-42930650-G-A. GRCh37 (hg19) VCF-style: chr1-43396321-G-A.
Identifiers: ClinVar variation 384863 (VCV000384863.10), dbSNP rs759617721, ClinGen allele CA803541.